The following is an entry in ClinVar:

NM_004415.4(DSP):c.5396A>G (p.Gln1799Arg)

Gene: DSP (desmoplakin; plus strand). Cytogenetic location: 6p24.3.
Variant type: single nucleotide variant.
Coding change: c.5396A>G on transcript NM_004415.4 (MANE Select); coding-DNA position 5396, A replaced by G.
Protein change: p.Gln1799Arg; replaces glutamine 1799 with arginine.
Molecular consequence: missense variant.
Genome position (GRCh38, 1-based): chr6:7,582,658, A>G. VCF-style: chr6-7582658-A-G. GRCh37 (hg19) VCF-style: chr6-7582891-A-G.
Other names: c.5396A>G (LRG_423t1); c.3599A>G, p.Gln1200Arg (NM_001008844.3); c.4067A>G, p.Gln1356Arg (NM_001319034.2); short protein forms Q1799R, Q1356R, Q1200R.
Identifiers: ClinVar variation 496245 (VCV000496245.21), dbSNP rs987386495, ClinGen allele CA133971809.

ClinVar aggregate classification (germline): Uncertain significance. Review status: criteria provided, multiple submitters, no conflicts (2 of 4 stars). 7 submissions from 7 submitters: Uncertain significance (7). Last evaluated 2025-11-15.

Conditions:
Cardiovascular phenotype. Identifiers: MedGen CN230736.
Cardiomyopathy (CMYO). Also called: Cardiomyopathies. Identifiers: Orphanet 167848, MedGen C0878544, MONDO:0004994, HP:0001638. Inheritance: Various modes of inheritance.
Arrhythmogenic right ventricular dysplasia 8 (ARVD8). Also called: ARRHYTHMOGENIC RIGHT VENTRICULAR CARDIOMYOPATHY 8; Arrhythmogenic Right Ventricular Dysplasia/Cardiomyopathy 8; ARRHYTHMOGENIC RIGHT VENTRICULAR DYSPLASIA, FAMILIAL, 8. Identifiers: MedGen C1843896, MONDO:0011831, OMIM 607450.
Arrhythmogenic cardiomyopathy with wooly hair and keratoderma. Also called: Arrhythmogenic cardiomyopathy with woolly hair and keratoderma; PALMOPLANTAR KERATODERMA WITH LEFT VENTRICULAR CARDIOMYOPATHY AND WOOLLY HAIR; Carvajal syndrome; Dilated cardiomyopathy with woolly hair and keratoderma. Identifiers: Orphanet 65282, MedGen C1854063, MONDO:0011581, OMIM 605676.

Allele frequency attached by ClinVar (database versions not stated): gnomAD exomes below 0.00001 and 0.00001; TOPMed below 0.00001; gnomAD 0.00001.
gnomAD v4.1: 13 of 1,613,602 alleles (0.00081%); highest among the groups gnomAD compares: Non-Finnish European, 0.0011%; no homozygotes.

Submissions (7):

Ambry Genetics
Classification: Uncertain significance for Cardiovascular phenotype. Last evaluated: 2025-11-15. Review status: criteria provided, single submitter. Criteria: Ambry Variant Classification Scheme 2023. Collection method: clinical testing. Allele origin: germline.
Comment: The p.Q1799R variant (also known as c.5396A>G), located in coding exon 24 of the DSP gene, results from an A to G substitution at nucleotide position 5396. The glutamine at codon 1799 is replaced by arginine, an amino acid with highly similar properties. This amino acid position is conserved. In addition, this alteration is predicted to be tolerated by in silico analysis. Since supporting evidence is limited at this time, the clinical significance of this alteration remains unclear.

Labcorp Genetics (formerly Invitae), Labcorp
Classification: Uncertain significance for Arrhythmogenic cardiomyopathy with wooly hair and keratoderma; Arrhythmogenic right ventricular dysplasia 8. Last evaluated: 2025-08-21. Review status: criteria provided, single submitter. Criteria: Invitae Variant Classification Sherloc (09022015). Collection method: clinical testing. Allele origin: germline.
Comment: This sequence change replaces glutamine, which is neutral and polar, with arginine, which is basic and polar, at codon 1799 of the DSP protein (p.Gln1799Arg). This variant is present in population databases (no rsID available, gnomAD 0.0009%). This variant has not been reported in the literature in individuals affected with DSP-related conditions. ClinVar contains an entry for this variant (Variation ID: 496245). An algorithm developed to predict the effect of missense changes on protein structure and function (PolyPhen-2) suggests that this variant is likely to be tolerated. In summary, the available evidence is currently insufficient to determine the role of this variant in disease. Therefore, it has been classified as a Variant of Uncertain Significance.

GeneDx
Classification: Uncertain significance. Last evaluated: 2024-07-08. Review status: criteria provided, single submitter. Criteria: GeneDx Variant Classification Process June 2021. Collection method: clinical testing. Allele origin: germline. Affected: yes.
Comment: Not observed at significant frequency in large population cohorts (gnomAD); In silico analysis indicates that this missense variant does not alter protein structure/function; Has not been previously published as pathogenic or benign to our knowledge

Color Diagnostics, LLC DBA Color Health
Classification: Uncertain significance for Cardiomyopathy. Last evaluated: 2024-03-06. Review status: criteria provided, single submitter. Criteria: ACMG Guidelines, 2015. Collection method: clinical testing. Allele origin: germline.
Comment: This missense variant replaces glutamine with arginine at codon 1799 of the DSP protein. Computational prediction suggests that this variant may not impact protein structure and function (internally defined REVEL score threshold <= 0.5, PMID: 27666373). To our knowledge, functional studies have not been reported for this variant. This variant has not been reported in individuals affected with cardiovascular disorders in the literature. This variant has been identified in 1/251262 chromosomes in the general population by the Genome Aggregation Database (gnomAD). The available evidence is insufficient to determine the role of this variant in disease conclusively. Therefore, this variant is classified as a Variant of Uncertain Significance.

Women's Health and Genetics/Laboratory Corporation of America, LabCorp
Classification: Uncertain significance. Last evaluated: 2024-03-03. Review status: criteria provided, single submitter. Criteria: LabCorp Variant Classification Summary - May 2015. Collection method: clinical testing. Allele origin: germline.

All of Us Research Program, National Institutes of Health
Classification: Uncertain significance for Arrhythmogenic cardiomyopathy with wooly hair and keratoderma. Last evaluated: 2023-12-13. Review status: criteria provided, single submitter. Criteria: ACMG Guidelines, 2015. Collection method: clinical testing. Allele origin: germline. Inheritance: Autosomal dominant inheritance. Observed: 2 variant alleles, 2 heterozygotes.
Comment: This missense variant replaces glutamine with arginine at codon 1799 of the DSP protein. Computational prediction suggests that this variant may not impact protein structure and function (internally defined REVEL score threshold <= 0.5, PMID: 27666373). To our knowledge, functional studies have not been reported for this variant. This variant has not been reported in individuals affected with cardiovascular disorders in the literature. This variant has been identified in 1/251262 chromosomes in the general population by the Genome Aggregation Database (gnomAD). The available evidence is insufficient to determine the role of this variant in disease conclusively. Therefore, this variant is classified as a Variant of Uncertain Significance.

This study involves interpretation of variants in research participants for the purpose of population health screening. Participant phenotype was not available at the time of variant classification. Additional details can be found in publication PMID: 35346344, PMCID: PMC8962531

Revvity Omics, Revvity
Classification: Uncertain significance. Last evaluated: 2020-04-18. Review status: criteria provided, single submitter. Criteria: ACMG Guidelines, 2015. Collection method: clinical testing. Allele origin: germline.